The following is an entry in ClinVar:

NM_000195.5(HPS1):c.1940+6G>A

Gene: HPS1 (HPS1 biogenesis of lysosomal organelles complex 3 subunit 1; minus strand). Cytogenetic location: 10q24.2.
Variant type: single nucleotide variant.
Coding change: c.1940+6G>A on transcript NM_000195.5 (MANE Select); 6 bases into the intron after coding-DNA position 1940, G replaced by A.
Molecular consequence: intron variant.
Genome position (GRCh38, 1-based): chr10:98,418,169, C>T on the plus strand (G>A on the coding strand, the complement: HPS1 is on the minus strand). VCF-style: chr10-98418169-C-T. GRCh37 (hg19) VCF-style: chr10-100177926-C-T.
Other names: c.1571+6G>A (NM_001322483.2, NM_001322484.2); c.1679+6G>A (NM_001322480.2, NM_001322481.2); c.1841+6G>A (NM_001322478.2, NM_001322479.2); c.1940+6G>A (NM_001322476.2, NM_001322477.2, NM_000195.4); c.1472+6G>A (NM_001322485.2); c.1580+6G>A (NM_001322482.2); c.968+6G>A (NM_001322489.2, NM_001311345.2, NM_001322487.2).
Identifiers: ClinVar variation 287737 (VCV000287737.10), dbSNP rs375927441, ClinGen allele CA5638835.

ClinVar aggregate classification (germline): Conflicting classifications of pathogenicity. Review status: criteria provided, conflicting classifications (1 of 4 stars). 5 submissions from 5 submitters: Uncertain significance (4); Likely benign (1). Last evaluated 2026-09-17.

Conditions:
Hermansky-Pudlak syndrome 1 (HPS1). Also called: DELTA STORAGE POOL DISEASE. Identifiers: Orphanet 231500, Orphanet 79430, MedGen C2931875, MONDO:0008748, OMIM 203300.
HPS1-related disorder. Also called: HPS1-related condition.

Allele frequency attached by ClinVar (database versions not stated): ESP Exome Variant Server 0.00015; gnomAD exomes 0.00016; ExAC 0.00021; gnomAD 0.00030 and 0.00032; TOPMed 0.00038; 1000 Genomes Project 0.00060; 1000 Genomes Project 30x 0.00078.
gnomAD v4.1: 155 of 1,590,018 alleles (0.0097%); highest among the groups gnomAD compares: African/African-American, 0.089%; no homozygotes.

Submissions (5):

PreventionGenetics, part of Exact Sciences
Classification: Likely benign for HPS1-related condition. Last evaluated: 2026-09-17. Review status: criteria provided, single submitter. Criteria: ACMG Guidelines, 2015. Collection method: clinical testing. Allele origin: germline.
Comment: This variant is classified as likely benign based on ACMG/AMP sequence variant interpretation guidelines (Richards et al. 2015 PMID: 25741868, with internal and published modifications).

Labcorp Genetics (formerly Invitae), Labcorp
Classification: Uncertain significance. Last evaluated: 2026-01-07. Review status: criteria provided, single submitter. Criteria: Invitae Variant Classification Sherloc (09022015). Collection method: clinical testing. Allele origin: germline.
Comment: This sequence change falls in intron 19 of the HPS1 gene. It does not directly change the encoded amino acid sequence of the HPS1 protein. It affects a nucleotide within the consensus splice site. This variant is present in population databases (rs375927441, gnomAD 0.1%). This variant has not been reported in the literature in individuals affected with HPS1-related conditions. ClinVar contains an entry for this variant (Variation ID: 287737). Variants that disrupt the consensus splice site are a relatively common cause of aberrant splicing (PMID: 17576681, 9536098). Algorithms developed to predict the effect of sequence changes on RNA splicing suggest that this variant is not likely to affect RNA splicing. In summary, the available evidence is currently insufficient to determine the role of this variant in disease. Therefore, it has been classified as a Variant of Uncertain Significance.

Women's Health and Genetics/Laboratory Corporation of America, LabCorp
Classification: Uncertain significance. Last evaluated: 2024-09-15. Review status: criteria provided, single submitter. Criteria: LabCorp Variant Classification Summary - May 2015. Collection method: clinical testing. Allele origin: germline.

Eurofins Ntd Llc (ga)
Classification: Uncertain significance. Last evaluated: 2016-05-19. Review status: criteria provided, single submitter. Criteria: EGL Classification Definitions 2015. Collection method: clinical testing. Allele origin: germline. Observed: 1 variant allele, 1 heterozygote.

Neuberg Centre For Genomic Medicine, NCGM
Classification: Uncertain significance for Hermansky-Pudlak syndrome 1. Review status: criteria provided, single submitter. Criteria: ACMG Guidelines, 2015. Collection method: clinical testing. Allele origin: germline. Inheritance: Autosomal recessive inheritance. Affected: yes.
Comment: The observed splice region c.1940+6G>A variant in HPS1 gene has not been reported previously as a pathogenic variant nor as a benign variant, to our knowledge. The c.1940+6G>A variant is present with allele frequency of 0.02% in gnomAD Exomes. This variant has been submitted to the ClinVar database as Uncertain Significance. Additional functional studies will be required to prove the pathogenicity of this variant. For these reasons, this variant has been classified as a Variant of Uncertain Significance (VUS).

Literature cited by the submitters: PubMed 17576681 (cited by Labcorp Genetics (formerly Invitae), Labcorp); PubMed 9536098 (cited by Labcorp Genetics (formerly Invitae), Labcorp).